The following is an entry in ClinVar:

ClinVar aggregate classification (germline): Likely benign. Review status: criteria provided, single submitter (1 of 4 stars). 2 submissions from 2 submitters: Likely benign (1). 1 of the submissions does not count toward it. Last evaluated 2023-03-23.

Conditions:
Hereditary cancer-predisposing syndrome. Also called: Hereditary neoplastic syndrome; Neoplastic Syndromes, Hereditary; Tumor predisposition; Hereditary Cancer Syndrome. Identifiers: Orphanet 140162, MedGen C0027672, MeSH D009386, MONDO:0015356.
Infiltrating duct carcinoma of breast. Also called: Invasive Ductal Carcinoma, Not Otherwise Specified; Invasive ductal breast carcinoma. Identifiers: MedGen C1412014, MONDO:0004953.

Submissions (2):

University of Washington Department of Laboratory Medicine, University of Washington
Classification: Likely benign for Hereditary cancer-predisposing syndrome. Last evaluated: 2023-03-23. Review status: criteria provided, single submitter. Criteria: Dines et al. (Genet Med. 2020). Collection method: curation. Allele origin: germline.
Comment: Missense variant in a coldspot region where missense variants are very unlikely to be pathogenic (PMID:31911673).

BRCA2 exon 11 coldspot. Reclassification based on statistical prior probability.

3DMed Clinical Laboratory Inc
Classification: Uncertain significance for Invasive Ductal Carcinoma, Not Otherwise Specified. Last evaluated: 2017-07-13. Review status: no assertion criteria provided. Criteria: ACMG Guidelines, 2015. Collection method: clinical testing. Allele origin: germline. Affected: yes. Not counted in ClinVar's aggregate classification.

NM_000059.4(BRCA2):c.3074A>G (p.Lys1025Arg)

Gene: BRCA2 (BRCA2 DNA repair associated; plus strand). Cytogenetic location: 13q13.1.
Variant type: single nucleotide variant.
Coding change: c.3074A>G on transcript NM_000059.4 (MANE Select); coding-DNA position 3074, A replaced by G.
Protein change: p.Lys1025Arg; replaces lysine 1025 with arginine.
Molecular consequence: missense variant.
Genome position (GRCh38, 1-based): chr13:32,337,429, A>G. VCF-style: chr13-32337429-A-G. GRCh37 (hg19) VCF-style: chr13-32911566-A-G.
Other names: short protein forms K1025R.
Identifiers: ClinVar variation 559992 (VCV000559992.3), dbSNP rs1555283038, ClinGen allele CA387775183.
Genomic context (GRCh38, chr13:32,337,429, plus strand): 5'-TTGGAGGTAGCTTCAGAACAGCTTCAAATAAGGAAATCAAGCTCTCTGAACATAACATTA[A>G]GAAGAGCAAAATGTTCTTCAAAGATATTGAAGAACAATATCCTACTAGTTTAGCTTGTGT-3'
Protein context (NP_000050.3, residues 1015-1035): KEIKLSEHNI[Lys1025Arg]KSKMFFKDIE